The following is an entry in ClinVar:

ClinVar aggregate classification (germline): Benign. Review status: criteria provided, multiple submitters, no conflicts (2 of 4 stars). 2 submissions from 2 submitters: Benign (2). Last evaluated 2018-06-19.

Allele frequency attached by ClinVar (database versions not stated): 1000 Genomes Project 0.21066; 1000 Genomes Project 30x 0.21861; ESP Exome Variant Server 0.27317; gnomAD 0.29233 and 0.29889; TOPMed 0.29286; ExAC 0.29328; gnomAD exomes 0.30282 and 0.32029.
gnomAD v4.1: 507,547 of 1,600,988 alleles (32%); highest among the groups gnomAD compares: Admixed American, 45%; 85,306 homozygotes.

Submissions (2):

GeneDx
Classification: Benign. Last evaluated: 2018-06-19. Review status: criteria provided, single submitter. Criteria: GeneDx Variant Classification (06012015). Collection method: clinical testing. Allele origin: germline. Affected: yes.
Comment: This variant is considered likely benign or benign based on one or more of the following criteria: it is a conservative change, it occurs at a poorly conserved position in the protein, it is predicted to be benign by multiple in silico algorithms, and/or has population frequency not consistent with disease.

Breakthrough Genomics
Classification: Benign. Review status: criteria provided, single submitter. Criteria: ACMG Guidelines, 2015. Collection method: not provided. Allele origin: germline. Inheritance: Unknown mechanism. Affected: yes.

NM_001018116.2(CAVIN4):c.408+42T>C

Gene: CAVIN4 (caveolae associated protein 4; plus strand). Cytogenetic location: 9q31.1.
Variant type: single nucleotide variant.
Coding change: c.408+42T>C on transcript NM_001018116.2 (MANE Select); 42 bases into the intron after coding-DNA position 408, T replaced by C.
Molecular consequence: intron variant.
Genome position (GRCh38, 1-based): chr9:100,578,593, T>C. VCF-style: chr9-100578593-T-C. GRCh37 (hg19) VCF-style: chr9-103340875-T-C.
Identifiers: ClinVar variation 674702 (VCV000674702.2), dbSNP rs1226589, ClinGen allele CA5160060.